The following is an entry in ClinVar:

ClinVar aggregate classification (germline): Uncertain significance (1 of 4 stars; one submission).

Conditions:
Inborn genetic diseases. Identifiers: MedGen C0950123, MeSH D030342.

gnomAD v4.1: 2 of 1,613,904 alleles (0.00012%); highest among the groups gnomAD compares: Non-Finnish European, 0.00017%; no homozygotes.

Submission:

Ambry Genetics
Classification: Uncertain significance for Inborn genetic diseases. Last evaluated: 2026-07-06. Review status: criteria provided, single submitter. Criteria: Ambry Variant Classification Scheme 2023. Collection method: clinical testing. Allele origin: germline.
Comment: The p.T431I variant (also known as c.1292C>T), located in coding exon 8 of the ETV6 gene, results from a C to T substitution at nucleotide position 1292. The threonine at codon 431 is replaced by isoleucine, an amino acid with similar properties. This amino acid position is conserved. In addition, the in silico prediction for this alteration is inconclusive. Based on the available evidence, the clinical significance of this variant remains unclear.

NM_001987.5(ETV6):c.1292C>T (p.Thr431Ile)

Gene: ETV6 (ETS variant transcription factor 6; plus strand). Cytogenetic location: 12p13.2.
Variant type: single nucleotide variant.
Coding change: c.1292C>T on transcript NM_001987.5 (MANE Select); coding-DNA position 1292, C replaced by T.
Protein change: p.Thr431Ile; replaces threonine 431 with isoleucine.
Molecular consequence: missense variant. On other transcripts: 3 prime UTR variant (1).
Genome position (GRCh38, 1-based): chr12:11,890,979, C>T. VCF-style: chr12-11890979-C-T. GRCh37 (hg19) VCF-style: chr12-12043913-C-T.
Other names: c.1289C>T, p.Thr430Ile (NM_001413913.1); c.1265C>T, p.Thr422Ile (NM_001413914.1); c.1028C>T, p.Thr343Ile (NM_001413915.1); c.*31C>T (NM_001413917.1); short protein forms T431I, T343I, T430I, T422I.
Identifiers: ClinVar variation 5036166 (VCV005036166.1).
Genomic context (GRCh38, chr12:11,890,979, plus strand): 5'-TCCTCCACTTCTTCTTCCAAAGGTTTATGAAAACCCCAGATGAAATCATGAGTGGCCGAA[C>T]AGACCGTCTGGAGCACCTAGAGTCCCAGGAGCTGGATGAACAAATATACCAAGAAGATGA-3'
Protein context (NP_001978.1, residues 421-441): KTPDEIMSGR[Thr431Ile]DRLEHLESQE